The following is an entry in ClinVar:

NM_001242957.3(MAK):c.832-1G>C

Gene: MAK (male germ cell associated kinase; minus strand). Cytogenetic location: 6p24.2.
Variant type: single nucleotide variant.
Coding change: c.832-1G>C on transcript NM_001242957.3 (MANE Select); the canonical splice acceptor site of the intron before coding-DNA position 832, G replaced by C.
Molecular consequence: splice acceptor variant.
Genome position (GRCh38, 1-based): chr6:10,796,310, C>G on the plus strand (G>C on the coding strand, the complement: MAK is on the minus strand). VCF-style: chr6-10796310-C-G. GRCh37 (hg19) VCF-style: chr6-10796543-C-G.
Other names: c.730-1G>C (NM_001377262.1); c.832-1G>C (NM_005906.6, NM_001242385.2).
Identifiers: ClinVar variation 1518471 (VCV001518471.8), dbSNP rs780978066, ClinGen allele CA3633611.

ClinVar aggregate classification (germline): Likely pathogenic. Review status: criteria provided, multiple submitters, no conflicts (2 of 4 stars). 2 submissions from 2 submitters: Likely pathogenic (2). Last evaluated 2022-09-26.

Conditions:
Retinitis pigmentosa 62 (RP62). Identifiers: Orphanet 791, MedGen C3280042, MONDO:0013611, OMIM 614181.

Allele frequency attached by ClinVar (database versions not stated): ExAC 0.00001; gnomAD 0.00001; gnomAD exomes 0.00001.
gnomAD v4.1: 3 of 1,609,856 alleles (0.00019%); highest among the groups gnomAD compares: African/African-American, 0.004%; no homozygotes.

Submissions (2):

Labcorp Genetics (formerly Invitae), Labcorp
Classification: Likely pathogenic. Last evaluated: 2022-09-26. Review status: criteria provided, single submitter. Criteria: Invitae Variant Classification Sherloc (09022015). Collection method: clinical testing. Allele origin: germline.
Comment: This sequence change affects an acceptor splice site in intron 7 of the MAK gene. It is expected to disrupt RNA splicing. Variants that disrupt the donor or acceptor splice site typically lead to a loss of protein function (PMID: 16199547), and loss-of-function variants in MAK are known to be pathogenic (PMID: 21148103, 21825139, 24938718, 29781741). This variant is present in population databases (rs780978066, gnomAD 0.01%). This variant has not been reported in the literature in individuals affected with MAK-related conditions. ClinVar contains an entry for this variant (Variation ID: 1518471). Algorithms developed to predict the effect of sequence changes on RNA splicing suggest that this variant may disrupt the consensus splice site. In summary, the currently available evidence indicates that the variant is pathogenic, but additional data are needed to prove that conclusively. Therefore, this variant has been classified as Likely Pathogenic.

Laboratorio de Genetica e Diagnostico Molecular, Hospital Israelita Albert Einstein
Classification: Likely pathogenic for Retinitis pigmentosa 62. Last evaluated: 2022-07-29. Review status: criteria provided, single submitter. Criteria: ACMG Guidelines, 2015. Collection method: clinical testing. Allele origin: germline. Affected: yes. Observed: 1 variant allele.
Comment: ACMG classification criteria: PVS1 very strong, PM2 moderated

Literature cited by the submitters: PubMed 16199547 (cited by Labcorp Genetics (formerly Invitae), Labcorp); PubMed 21148103 (cited by Labcorp Genetics (formerly Invitae), Labcorp); PubMed 21825139 (cited by Labcorp Genetics (formerly Invitae), Labcorp); PubMed 24938718 (cited by Labcorp Genetics (formerly Invitae), Labcorp); PubMed 29781741 (cited by Labcorp Genetics (formerly Invitae), Labcorp).